The following is an entry in ClinVar:

NM_201599.3(ZMYM3):c.1909C>T (p.Arg637Trp)

Gene: ZMYM3 (zinc finger MYM-type containing 3; minus strand). Cytogenetic location: Xq13.1.
Variant type: single nucleotide variant.
Coding change: c.1909C>T on transcript NM_201599.3 (MANE Select); coding-DNA position 1909, C replaced by T.
Protein change: p.Arg637Trp; replaces arginine 637 with tryptophan.
Molecular consequence: missense variant.
Genome position (GRCh38, 1-based): chrX:71,248,228, G>A on the plus strand (C>T on the coding strand, the complement: ZMYM3 is on the minus strand). VCF-style: chrX-71248228-G-A. GRCh37 (hg19) VCF-style: chrX-70468078-G-A.
Other names: c.1909C>T, p.Arg637Trp (NM_001171162.1, NM_005096.3); short protein forms R637W.
Identifiers: ClinVar variation 5017099 (VCV005017099.1).
Genomic context (GRCh38, chrX:71,248,228, plus strand): 5'-TGCAGAAGCTTTTCTCCACTCCGCTGAATCGGAGTTTCTCATGCAAGAGTTTCTCCTGCC[G>A]ACAGTGCTCACACTGGGACACCACACCCCGAAGCCGCTTGAAGTCCTCACAGCAATCACG-3'
Protein context (NP_963893.1, residues 627-647): RGVVSQCEHC[Arg637Trp]QEKLLHEKLR

ClinVar aggregate classification (germline): Uncertain significance (1 of 4 stars; one submission).

gnomAD v4.1: 1 of 1,209,857 alleles (0.000083%); highest among the groups gnomAD compares: East Asian, 0.003%; no homozygotes.

Submission:

GeneDx
Classification: Uncertain significance. Last evaluated: 2026-03-26. Review status: criteria provided, single submitter. Criteria: GeneDx Variant Classification Process June 2021. Collection method: clinical testing. Allele origin: germline.
Comment: Not observed at significant frequency in large population cohorts (gnomAD); In silico analysis supports that this missense variant has a deleterious effect on protein structure/function; Has not been previously published as pathogenic or benign to our knowledge